The following is an entry in ClinVar:

ClinVar aggregate classification (germline): Uncertain significance (1 of 4 stars; one submission).

Conditions:
EPS8L2-related disorder. Also called: EPS8L2-related condition.

Submission:

PreventionGenetics, part of Exact Sciences
Classification: Uncertain significance for EPS8L2-related condition. Last evaluated: 2025-01-10. Review status: criteria provided, single submitter. Criteria: ACMG Guidelines, 2015. Collection method: clinical testing. Allele origin: germline.
Comment: The EPS8L2 c.395A>G variant is predicted to result in the amino acid substitution p.Tyr132Cys. To our knowledge, this variant has not been reported in the literature or in a large population database (gnomAD), indicating this variant is rare. At this time, the clinical significance of this variant is uncertain due to the absence of conclusive functional and genetic evidence.

NM_022772.4(EPS8L2):c.395A>G (p.Tyr132Cys)

Gene: EPS8L2 (EPS8 signaling adaptor L2; plus strand). Cytogenetic location: 11p15.5.
Variant type: single nucleotide variant.
Coding change: c.395A>G on transcript NM_022772.4 (MANE Select); coding-DNA position 395, A replaced by G.
Protein change: p.Tyr132Cys; replaces tyrosine 132 with cysteine.
Molecular consequence: missense variant. On other transcripts: 5 prime UTR variant (1).
Genome position (GRCh38, 1-based): chr11:720,664, A>G. VCF-style: chr11-720664-A-G. GRCh37 (hg19) VCF-style: chr11-720664-A-G.
Other names: c.395A>G, p.Tyr132Cys (NM_001441192.1, NM_001441193.1); c.-139A>G (NM_001441194.1); short protein forms Y132C.
Identifiers: ClinVar variation 4997166 (VCV004997166.1).